The following is an entry in ClinVar:

NM_000218.3(KCNQ1):c.2016del (p.Asp673fs)

Genes: KCNQ1 (potassium voltage-gated channel subfamily Q member 1; plus strand), KCNQ1-AS1 (KCNQ1 antisense RNA 1; minus strand). Cytogenetic location: 11p15.4.
Variant type: Deletion.
Coding change: c.2016del on transcript NM_000218.3 (MANE Select); coding-DNA position 2016, one base deleted (C; older notation c.2016delC).
Protein change: p.Asp673fs; shifts the reading frame from aspartic acid 673.
Molecular consequence: frameshift variant.
Genome position (GRCh38, 1-based): chr11:2,847,988, C deleted; the last of 4 consecutive C bases (chr11:2,847,985-2,847,988); deleting any one gives the same sequence. VCF-style (leftmost placement, unchanged base first): chr11-2847984-GC-G. GRCh37 (hg19) VCF-style: chr11-2869214-GC-G.
Other names: c.1920del, p.Asp641fs (NM_001406836.1); c.1746del, p.Asp583fs (NM_001406837.1); c.1476del, p.Asp493fs (NM_001406838.1); c.528del, p.Asp177fs (NM_001406839.1); c.1635del, p.Asp546fs (NM_181798.2); short protein forms D493fs, D177fs, D546fs, D583fs, D641fs, D673fs.
Identifiers: ClinVar variation 5023030 (VCV005023030.1).

ClinVar aggregate classification (germline): Uncertain significance (1 of 4 stars; one submission).

Conditions:
Cardiovascular phenotype. Identifiers: MedGen CN230736.

Submission:

Ambry Genetics
Classification: Uncertain significance for Cardiovascular phenotype. Last evaluated: 2026-09-04. Review status: criteria provided, single submitter. Criteria: Ambry Variant Classification Scheme 2023. Collection method: clinical testing. Allele origin: germline.
Comment: The c.2016delC variant, located in coding exon 16 of the KCNQ1 gene, results from a deletion of one nucleotide at nucleotide position 2016, causing a translational frameshift with a predicted alternate stop codon (p.D673Mfs*16). This variant occurs at the 3' terminus of the gene, is not expected to trigger nonsense-mediated mRNAdecay and results in the elongation of the protein by 11 amino acids. This frameshift impacts the last 4amino acids of the native protein. The exact functional effect of the altered amino acids is unknown. Based on the available evidence, the clinical significance of this variant remains unclear.